The following is an entry in ClinVar:

NM_004560.4(ROR2):c.751C>T (p.Leu251=)

Gene: ROR2 (ROR family WNT receptor 2; minus strand). Cytogenetic location: 9q22.31.
Variant type: single nucleotide variant.
Coding change: c.751C>T on transcript NM_004560.4 (MANE Select); coding-DNA position 751, C replaced by T.
Protein change: p.Leu251=; no amino-acid change (leucine 251 retained).
Molecular consequence: synonymous variant.
Genome position (GRCh38, 1-based): chr9:91,733,308, G>A on the plus strand (C>T on the coding strand, the complement: ROR2 is on the minus strand). VCF-style: chr9-91733308-G-A. GRCh37 (hg19) VCF-style: chr9-94495590-G-A.
Other names: c.751C>T, p.Leu251= (NM_001318204.2).
Identifiers: ClinVar variation 367512 (VCV000367512.16), dbSNP rs368471121, ClinGen allele CA5120903.

ClinVar aggregate classification (germline): Benign/Likely benign. Review status: criteria provided, multiple submitters, no conflicts (2 of 4 stars). 5 submissions from 4 submitters: Benign (1); Likely benign (3). 1 of the submissions does not count toward it. Last evaluated 2025-09-05.

Conditions:
ROR2-related disorder. Also called: ROR2-related disorders; ROR2-related condition.
Autosomal recessive Robinow syndrome (RRS1). Also called: COSTOVERTEBRAL SEGMENTATION DEFECT WITH MESOMELIA; COVESDEM SYNDROME; ROBINOW SYNDROME, AUTOSOMAL RECESSIVE 1; ROR2-Related Robinow Syndrome. Identifiers: Orphanet 1507, Orphanet 97360, MedGen C5399974, MONDO:0009999, OMIM 268310.
Brachydactyly type B1 (BDB1). Identifiers: Orphanet 572385, Orphanet 93383, MedGen C1862112, MONDO:0007220, OMIM 113000.

Allele frequency attached by ClinVar (database versions not stated): ExAC 0.00019; gnomAD exomes 0.00020 and 0.00025; TOPMed 0.00021; gnomAD 0.00025 and 0.00026; 1000 Genomes Project 0.00040; ESP Exome Variant Server 0.00046; 1000 Genomes Project 30x 0.00062.
gnomAD v4.1: 410 of 1,612,754 alleles (0.025%); highest among the groups gnomAD compares: Non-Finnish European, 0.025%; no homozygotes.

Submissions (5):

Labcorp Genetics (formerly Invitae), Labcorp
Classification: Benign. Last evaluated: 2025-09-05. Review status: criteria provided, single submitter. Criteria: Invitae Variant Classification Sherloc (09022015). Collection method: clinical testing. Allele origin: germline.

Fulgent Genetics
Classification: Likely benign for Brachydactyly type B1; Autosomal recessive Robinow syndrome. Last evaluated: 2024-03-08. Review status: criteria provided, single submitter. Criteria: ACMG Guidelines, 2015. Collection method: clinical testing. Allele origin: germline.

Illumina Laboratory Services, Illumina
Classification: Likely benign for Brachydactyly type B1. Last evaluated: 2017-04-27. Review status: criteria provided, single submitter. Criteria: ICSL Variant Classification Criteria 13 December 2019. Collection method: clinical testing. Allele origin: germline.
Comment: This variant was observed as part of a predisposition screen in an ostensibly healthy population. A literature search was performed for the gene, cDNA change, and amino acid change (where applicable). No publications were found based on this search. Allele frequency data from public databases allowed determination this variant is unlikely to cause disease. Therefore, this variant is classified as likely benign.

Illumina Laboratory Services, Illumina
Classification: Likely benign for Autosomal recessive Robinow syndrome. Last evaluated: 2017-04-27. Review status: criteria provided, single submitter. Criteria: ICSL Variant Classification Criteria 13 December 2019. Collection method: clinical testing. Allele origin: germline.
Comment: the same text as in the submission from Illumina Laboratory Services, Illumina above.

PreventionGenetics, part of Exact Sciences
Classification: Likely benign for ROR2-related condition. Last evaluated: 2022-01-31. Review status: no assertion criteria provided. Collection method: clinical testing. Allele origin: germline. Not counted in ClinVar's aggregate classification.
Comment: This variant is classified as likely benign based on ACMG/AMP sequence variant interpretation guidelines (Richards et al. 2015 PMID: 25741868, with internal and published modifications).